The following is an entry in ClinVar:

NM_002546.4(TNFRSF11B):c.941A>C (p.Lys314Thr)

Gene: TNFRSF11B (TNF receptor superfamily member 11b; minus strand). Cytogenetic location: 8q24.12.
Variant type: single nucleotide variant.
Coding change: c.941A>C on transcript NM_002546.4 (MANE Select); coding-DNA position 941, A replaced by C.
Protein change: p.Lys314Thr; replaces lysine 314 with threonine.
Molecular consequence: missense variant.
Genome position (GRCh38, 1-based): chr8:118,924,639, T>G on the plus strand (A>C on the coding strand, the complement: TNFRSF11B is on the minus strand). VCF-style: chr8-118924639-T-G. GRCh37 (hg19) VCF-style: chr8-119936878-T-G.
Other names: short protein forms K314T.
Identifiers: ClinVar variation 3715633 (VCV003715633.2).

ClinVar aggregate classification (germline): Uncertain significance (1 of 4 stars; one submission).

gnomAD v4.1: 1 of 1,614,208 alleles (0.000062%); highest among the groups gnomAD compares: Admixed American, 0.0017%; no homozygotes.

Submission:

Labcorp Genetics (formerly Invitae), Labcorp
Classification: Uncertain significance. Last evaluated: 2024-04-10. Review status: criteria provided, single submitter. Criteria: Invitae Variant Classification Sherloc (09022015). Collection method: clinical testing. Allele origin: germline.
Comment: This sequence change replaces lysine, which is basic and polar, with threonine, which is neutral and polar, at codon 314 of the TNFRSF11B protein (p.Lys314Thr). This variant is not present in population databases (gnomAD no frequency). This variant has not been reported in the literature in individuals affected with TNFRSF11B-related conditions. Advanced modeling of protein sequence and biophysical properties (such as structural, functional, and spatial information, amino acid conservation, physicochemical variation, residue mobility, and thermodynamic stability) performed at Invitae indicates that this missense variant is not expected to disrupt TNFRSF11B protein function with a negative predictive value of 80%. In summary, the available evidence is currently insufficient to determine the role of this variant in disease. Therefore, it has been classified as a Variant of Uncertain Significance.